The following is an entry in ClinVar:

ClinVar aggregate classification (germline): Uncertain significance (1 of 4 stars; one submission).

Conditions:
Hereditary cancer-predisposing syndrome. Also called: Tumor predisposition; Neoplastic Syndromes, Hereditary; Hereditary Cancer Syndrome; Hereditary neoplastic syndrome. Identifiers: Orphanet 140162, MedGen C0027672, MeSH D009386, MONDO:0015356.

Allele frequency attached by ClinVar (database versions not stated): gnomAD exomes below 0.00001; TOPMed below 0.00001.
gnomAD v4.1: 3 of 1,613,354 alleles (0.00019%); highest among the groups gnomAD compares: Non-Finnish European, 0.00025%; no homozygotes.

Submission:

Ambry Genetics
Classification: Uncertain significance for Hereditary cancer-predisposing syndrome. Last evaluated: 2022-09-29. Review status: criteria provided, single submitter. Criteria: Ambry Variant Classification Scheme 2023. Collection method: clinical testing. Allele origin: germline.
Comment: The p.E1062D variant (also known as c.3186G>T), located in coding exon 21 of the RAD50 gene, results from a G to T substitution at nucleotide position 3186. The glutamic acid at codon 1062 is replaced by aspartic acid, an amino acid with highly similar properties. This amino acid position is not well conserved in available vertebrate species. In addition, this alteration is predicted to be tolerated by in silico analysis. Since supporting evidence is limited at this time, the clinical significance of this alteration remains unclear.

NM_005732.4(RAD50):c.3186G>T (p.Glu1062Asp)

Gene: RAD50 (RAD50 double strand break repair protein; plus strand). Cytogenetic location: 5q31.1.
Variant type: single nucleotide variant.
Coding change: c.3186G>T on transcript NM_005732.4 (MANE Select); coding-DNA position 3186, G replaced by T.
Protein change: p.Glu1062Asp; replaces glutamic acid 1062 with aspartic acid.
Molecular consequence: missense variant.
Genome position (GRCh38, 1-based): chr5:132,618,091, G>T. VCF-style: chr5-132618091-G-T. GRCh37 (hg19) VCF-style: chr5-131953783-G-T.
Other names: short protein forms E1062D.
Identifiers: ClinVar variation 1728594 (VCV001728594.2), dbSNP rs1751208945, ClinGen allele CA360964253.